The following is an entry in ClinVar:

NM_001379200.1(TBX1):c.637G>A (p.Ala213Thr)

Gene: TBX1 (T-box transcription factor 1; plus strand). Cytogenetic location: 22q11.21.
Variant type: single nucleotide variant.
Coding change: c.637G>A on transcript NM_001379200.1 (MANE Select); coding-DNA position 637, G replaced by A.
Protein change: p.Ala213Thr; replaces alanine 213 with threonine.
Molecular consequence: missense variant.
Genome position (GRCh38, 1-based): chr22:19,764,252, G>A. VCF-style: chr22-19764252-G-A. GRCh37 (hg19) VCF-style: chr22-19751775-G-A.
Other names: c.610G>A, p.Ala204Thr (NM_005992.1, NM_080646.2, NM_080647.1); short protein forms A204T, A213T.
Identifiers: ClinVar variation 1017863 (VCV001017863.13), dbSNP rs748232668, ClinGen allele CA10102508.

ClinVar aggregate classification (germline): Uncertain significance. Review status: criteria provided, multiple submitters, no conflicts (2 of 4 stars). 4 submissions from 4 submitters: Uncertain significance (4). Last evaluated 2025-04-30.

Conditions:
Cardiovascular phenotype. Identifiers: MedGen CN230736.
DiGeorge syndrome. Also called: Catch22; THIRD AND FOURTH PHARYNGEAL POUCH SYNDROME. Identifiers: Orphanet 567, MedGen C0012236, MONDO:0008564, OMIM 188400.

Allele frequency attached by ClinVar (database versions not stated): gnomAD 0.00001; gnomAD exomes 0.00002; TOPMed 0.00002; ExAC 0.00003.
gnomAD v4.1: 29 of 1,613,300 alleles (0.0018%); highest among the groups gnomAD compares: South Asian, 0.0066%; no homozygotes.

Submissions (4):

Labcorp Genetics (formerly Invitae), Labcorp
Classification: Uncertain significance for DiGeorge syndrome. Last evaluated: 2025-04-30. Review status: criteria provided, single submitter. Criteria: Invitae Variant Classification Sherloc (09022015). Collection method: clinical testing. Allele origin: germline.
Comment: This sequence change replaces alanine, which is neutral and non-polar, with threonine, which is neutral and polar, at codon 204 of the TBX1 protein (p.Ala204Thr). This variant is present in population databases (rs748232668, gnomAD 0.006%). This variant has not been reported in the literature in individuals affected with TBX1-related conditions. ClinVar contains an entry for this variant (Variation ID: 1017863). Invitae Evidence Modeling of protein sequence and biophysical properties (such as structural, functional, and spatial information, amino acid conservation, physicochemical variation, residue mobility, and thermodynamic stability) indicates that this missense variant is not expected to disrupt TBX1 protein function with a negative predictive value of 80%. In summary, the available evidence is currently insufficient to determine the role of this variant in disease. Therefore, it has been classified as a Variant of Uncertain Significance.

Ambry Genetics
Classification: Uncertain significance for Cardiovascular phenotype. Last evaluated: 2024-09-04. Review status: criteria provided, single submitter. Criteria: Ambry Variant Classification Scheme 2023. Collection method: clinical testing. Allele origin: germline.
Comment: The p.A204T variant (also known as c.610G>A), located in coding exon 4 of the TBX1 gene, results from a G to A substitution at nucleotide position 610. The alanine at codon 204 is replaced by threonine, an amino acid with similar properties. This amino acid position is conserved. In addition, the in silico prediction for this alteration is inconclusive. Since supporting evidence is limited at this time, the clinical significance of this alteration remains unclear.

GeneDx
Classification: Uncertain significance. Last evaluated: 2024-04-02. Review status: criteria provided, single submitter. Criteria: GeneDx Variant Classification Process June 2021. Collection method: clinical testing. Allele origin: germline. Affected: yes.
Comment: In silico analysis supports that this missense variant has a deleterious effect on protein structure/function; Has not been previously published as pathogenic or benign to our knowledge

Blueprint Genetics
Classification: Uncertain significance. Last evaluated: 2018-07-10. Review status: criteria provided, single submitter. Criteria: ACMG Guidelines, 2015. Collection method: clinical testing. Allele origin: germline.